The following is an entry in ClinVar:

NM_001378414.1(HDAC4):c.442C>T (p.Arg148Trp)

Gene: HDAC4 (histone deacetylase 4; minus strand). Cytogenetic location: 2q37.3.
Variant type: single nucleotide variant.
Coding change: c.442C>T on transcript NM_001378414.1 (MANE Select); coding-DNA position 442, C replaced by T.
Protein change: p.Arg148Trp; replaces arginine 148 with tryptophan.
Molecular consequence: missense variant.
Genome position (GRCh38, 1-based): chr2:239,176,461, G>A on the plus strand (C>T on the coding strand, the complement: HDAC4 is on the minus strand). VCF-style: chr2-239176461-G-A. GRCh37 (hg19) VCF-style: chr2-240098157-G-A.
Other names: c.442C>T, p.Arg148Trp (NM_001378415.1, NM_001378416.1, NM_001378417.1 and 1 more transcripts); c.361C>T, p.Arg121Trp (NM_001435991.1, NM_001435992.1, NM_001435994.1 and 1 more transcripts); c.298C>T, p.Arg100Trp (NM_001435993.1); c.427C>T, p.Arg143Trp (NM_001435996.1); short protein forms R121W, R148W, R100W, R143W.
Identifiers: ClinVar variation 4621394 (VCV004621394.1).
Genomic context (GRCh38, chr2:239,176,461, plus strand): 5'-GCCCACACTCACTCTCTTTGCCCTTCTCCTTGTTCTTGAGCTGCTGCAGCTTCTGCTCCC[G>A]GTGCTGCTTCTCCAGCTCCTGCTCCTGGCGGTGCCTCTCCAGCTTCCGCTGGTGTTCCAG-3'
Protein context (NP_001365343.1, residues 138-158): RQEQELEKQH[Arg148Trp]EQKLQQLKNK

ClinVar aggregate classification (germline): Uncertain significance (1 of 4 stars; one submission).

Conditions:
Inborn genetic diseases. Identifiers: MedGen C0950123, MeSH D030342.

gnomAD v4.1: 19 of 1,613,158 alleles (0.0012%); highest among the groups gnomAD compares: African/African-American, 0.0067%; no homozygotes.

Submission:

Ambry Genetics
Classification: Uncertain significance for Inborn genetic diseases. Last evaluated: 2025-11-03. Review status: criteria provided, single submitter. Criteria: Ambry Variant Classification Scheme 2023. Collection method: clinical testing. Allele origin: germline.
Comment: The c.442C>T (p.R148W) alteration is located in exon 5 (coding exon 4) of the HDAC4 gene. This alteration results from a C to T substitution at nucleotide position 442, causing the arginine (R) at amino acid position 148 to be replaced by a tryptophan (W). Based on data from gnomAD, the T allele has an overall frequency of 0.002% (5/279568) total alleles studied. The highest observed frequency was 0.02% (5/24948) of African alleles. Based on insufficient or conflicting evidence, the clinical significance of this alteration remains unclear.